The following is an entry in ClinVar:

ClinVar aggregate classification (germline): Likely benign. Review status: criteria provided, multiple submitters, no conflicts (2 of 4 stars). 2 submissions from 2 submitters: Likely benign (2). Last evaluated 2025-07-28.

Conditions:
Nephronophthisis. Also called: Juvenile Nephronophthisis. Identifiers: Orphanet 655, MedGen C0687120, MONDO:0019005, HP:0000090.

Allele frequency attached by ClinVar (database versions not stated): gnomAD exomes below 0.00001; gnomAD 0.00001.
gnomAD v4.1: 4 of 1,613,838 alleles (0.00025%); highest among the groups gnomAD compares: Admixed American, 0.0017%; no homozygotes.

Submissions (2):

Labcorp Genetics (formerly Invitae), Labcorp
Classification: Likely benign for Nephronophthisis. Last evaluated: 2025-07-28. Review status: criteria provided, single submitter. Criteria: Invitae Variant Classification Sherloc (09022015). Collection method: clinical testing. Allele origin: germline.

CeGaT Center for Human Genetics Tuebingen
Classification: Likely benign. Last evaluated: 2023-12-01. Review status: criteria provided, single submitter. Criteria: CeGaT Center For Human Genetics Tuebingen Variant Classification Criteria Version 2. Collection method: clinical testing. Allele origin: germline. Affected: yes. Observed: 1 variant allele.
Comment: NPHP4: BP4, BP7

NM_015102.5(NPHP4):c.1098C>T (p.Ser366=)

Gene: NPHP4 (nephrocystin 4; minus strand). Cytogenetic location: 1p36.31.
Variant type: single nucleotide variant.
Coding change: c.1098C>T on transcript NM_015102.5 (MANE Select); coding-DNA position 1098, C replaced by T.
Protein change: p.Ser366=; no amino-acid change (serine 366 retained).
Molecular consequence: synonymous variant. On other transcripts: 5 prime UTR variant (2), non-coding transcript variant (1).
Genome position (GRCh38, 1-based): chr1:5,947,125, G>A on the plus strand (C>T on the coding strand, the complement: NPHP4 is on the minus strand). VCF-style: chr1-5947125-G-A. GRCh37 (hg19) VCF-style: chr1-6007185-G-A.
Other names: c.-269C>T (NM_001291593.2, NM_001291594.2).
Identifiers: ClinVar variation 1105462 (VCV001105462.32), dbSNP rs1449413890, ClinGen allele CA415787145.
Genomic context (GRCh38, chr1:5,947,125, plus strand): 5'-ACCACCAGAGGAAACCGAGTGCAAAAGGGCTGTTCTTACATTGCCGTCCACTCCTGCAGG[G>A]CTGCTGAACACGTACTCCAGCTGGAAGATGACCGCAAATGCAGGGTGGCCGACCATCTCT-3'
Protein context (NP_055917.1, residues 356-376): VIFQLEYVFS[Ser366=]PAGVDGNAAS